The following is an entry in ClinVar:

NM_019842.4(KCNQ5):c.840G>A (p.Ser280=)

Gene: KCNQ5 (potassium voltage-gated channel subfamily Q member 5; plus strand). Cytogenetic location: 6q13.
Variant type: single nucleotide variant.
Coding change: c.840G>A on transcript NM_019842.4 (MANE Select); coding-DNA position 840, G replaced by A.
Protein change: p.Ser280=; no amino-acid change (serine 280 retained).
Molecular consequence: synonymous variant.
Genome position (GRCh38, 1-based): chr6:73,077,809, G>A. VCF-style: chr6-73077809-G-A. GRCh37 (hg19) VCF-style: chr6-73787532-G-A.
Other names: c.840G>A, p.Ser280= (NM_001160130.2, NM_001160132.2, NM_001160133.2 and 1 more transcripts); c.840G>A (NM_001160133.1).
Identifiers: ClinVar variation 1530393 (VCV001530393.25), dbSNP rs201137532, ClinGen allele CA3886845.

ClinVar aggregate classification (germline): Likely benign. Review status: criteria provided, multiple submitters, no conflicts (2 of 4 stars). 4 submissions from 4 submitters: Likely benign (3). 1 of the submissions does not count toward it. Last evaluated 2026-01-13.

Conditions:
KCNQ5-related disorder. Also called: KCNQ5-related condition.

Allele frequency attached by ClinVar (database versions not stated): gnomAD exomes 0.00007 and 0.00014; ESP Exome Variant Server 0.00008; gnomAD 0.00009 and 0.00012; TOPMed 0.00009; ExAC 0.00013; 1000 Genomes Project 30x 0.00031; 1000 Genomes Project 0.00040.
gnomAD v4.1: 123 of 1,610,664 alleles (0.0076%); highest among the groups gnomAD compares: East Asian, 0.036%; 1 homozygote.

Submissions (4):

Labcorp Genetics (formerly Invitae), Labcorp
Classification: Likely benign. Last evaluated: 2026-01-13. Review status: criteria provided, single submitter. Criteria: Invitae Variant Classification Sherloc (09022015). Collection method: clinical testing. Allele origin: germline.

Blueprint Genetics
Classification: Likely benign. Last evaluated: 2024-10-17. Review status: criteria provided, single submitter. Criteria: ACMG Guidelines, 2015. Collection method: clinical testing. Allele origin: germline.

CeGaT Center for Human Genetics Tuebingen
Classification: Likely benign. Last evaluated: 2024-09-01. Review status: criteria provided, single submitter. Criteria: CeGaT Center For Human Genetics Tuebingen Variant Classification Criteria Version 2. Collection method: clinical testing. Allele origin: germline. Affected: yes. Observed: 1 variant allele.
Comment: KCNQ5: BP4, BP7

PreventionGenetics, part of Exact Sciences
Classification: Likely benign for KCNQ5-related condition. Last evaluated: 2024-02-20. Review status: no assertion criteria provided. Collection method: clinical testing. Allele origin: germline. Not counted in ClinVar's aggregate classification.
Comment: This variant is classified as likely benign based on ACMG/AMP sequence variant interpretation guidelines (Richards et al. 2015 PMID: 25741868, with internal and published modifications).